The following is an entry in ClinVar:

ClinVar aggregate classification (germline): Uncertain significance (1 of 4 stars; one submission).

Submission:

Ambry Genetics
Classification: Uncertain significance. Last evaluated: 2025-01-17. Review status: criteria provided, single submitter. Criteria: Ambry Variant Classification Scheme 2023. Collection method: clinical testing. Allele origin: germline.
Comment: The p.P1866L variant (also known as c.5597C>T), located in coding exon 22 of the WNK2 gene, results from a C to T substitution at nucleotide position 5597. The proline at codon 1866 is replaced by leucine, an amino acid with similar properties. This amino acid position is conserved. In addition, the in silico prediction for this alteration is inconclusive. Based on the available evidence, the clinical significance of this variant remains unclear.

NM_006648.4(WNK2):c.5597C>T (p.Pro1866Leu)

Gene: WNK2 (WNK lysine deficient protein kinase 2; plus strand). Cytogenetic location: 9q22.31.
Variant type: single nucleotide variant.
Coding change: c.5597C>T on transcript NM_006648.4 (MANE Select); coding-DNA position 5597, C replaced by T.
Protein change: p.Pro1866Leu; replaces proline 1866 with leucine.
Molecular consequence: missense variant.
Genome position (GRCh38, 1-based): chr9:93,293,062, C>T. VCF-style: chr9-93293062-C-T. GRCh37 (hg19) VCF-style: chr9-96055344-C-T.
Other names: c.5708C>T, p.Pro1903Leu (NM_001282394.3); short protein forms P1903L, P1866L.
Identifiers: ClinVar variation 3816857 (VCV003816857.1).